The following is an entry in ClinVar:

ClinVar aggregate classification (germline): Uncertain significance. Review status: criteria provided, multiple submitters, no conflicts (2 of 4 stars). 4 submissions from 4 submitters: Uncertain significance (4). Last evaluated 2024-10-30.

Conditions:
Retinitis pigmentosa 51 (RP51). Identifiers: Orphanet 791, MedGen C3150715, MONDO:0013274, OMIM 613464.
Bardet-Biedl syndrome 8 (BBS8). Identifiers: Orphanet 110, MedGen C1859566, MONDO:0014436, OMIM 615985.
Bardet-Biedl syndrome (BBS). Identifiers: Orphanet 110, MedGen C0752166, MONDO:0015229.
TTC8-related disorder. Also called: TTC8-related condition.

Allele frequency attached by ClinVar (database versions not stated): gnomAD 0.00003.

Submissions (4):

PreventionGenetics, part of Exact Sciences
Classification: Uncertain significance for TTC8-related condition. Last evaluated: 2024-10-30. Review status: criteria provided, single submitter. Criteria: ACMG Guidelines, 2015. Collection method: clinical testing. Allele origin: germline.
Comment: The TTC8 c.1A>T variant is predicted to disrupt the translation initiation site (Start Loss). This variant was reported in a large-sale screen of potential carriers of autosomal recessive inherited retinal diseases (Table S3, Hanany et al. 2020. PubMed ID: 31964843). This variant is reported in 0.0029% of alleles in individuals of European (Non-Finnish) descent in gnomAD. At this time, the clinical significance of this variant is uncertain due to the absence of conclusive functional and genetic evidence.

Fulgent Genetics
Classification: Uncertain significance for Retinitis pigmentosa 51; Bardet-Biedl syndrome 8. Last evaluated: 2024-05-30. Review status: criteria provided, single submitter. Criteria: ACMG Guidelines, 2015. Collection method: clinical testing. Allele origin: germline.

Labcorp Genetics (formerly Invitae), Labcorp
Classification: Uncertain significance for Bardet-Biedl syndrome. Last evaluated: 2022-10-13. Review status: criteria provided, single submitter. Criteria: Invitae Variant Classification Sherloc (09022015). Collection method: clinical testing. Allele origin: germline.
Comment: This sequence change affects the initiator methionine of the TTC8 mRNA. The next in-frame methionine is located at codon 5. This variant is present in population databases (rs747906724, gnomAD 0.003%). This variant has not been reported in the literature in individuals affected with TTC8-related conditions. Experimental studies and prediction algorithms are not available or were not evaluated, and the functional significance of this variant is currently unknown. In summary, the available evidence is currently insufficient to determine the role of this variant in disease. Therefore, it has been classified as a Variant of Uncertain Significance.

Blueprint Genetics
Classification: Uncertain significance. Last evaluated: 2022-03-18. Review status: criteria provided, single submitter. Criteria: ACMG Guidelines, 2015. Collection method: clinical testing. Allele origin: germline.

NM_144596.4(TTC8):c.1A>T (p.Met1Leu)

Gene: TTC8 (tetratricopeptide repeat domain 8; plus strand). Cytogenetic location: 14q31.3.
Variant type: single nucleotide variant.
Coding change: c.1A>T on transcript NM_144596.4 (MANE Select); coding-DNA position 1, A replaced by T.
Protein change: p.Met1Leu; changes the start codon (methionine 1).
Molecular consequence: missense variant, initiator codon variant. On other transcripts: 5 prime UTR variant (2), non-coding transcript variant (1).
Genome position (GRCh38, 1-based): chr14:88,824,708, A>T. VCF-style: chr14-88824708-A-T. GRCh37 (hg19) VCF-style: chr14-89291052-A-T.
Other names: c.-562A>T (NM_001288782.1); c.-657A>T (NM_001288783.1); c.1A>T, p.Met1Leu (NM_001366535.2, NM_001366536.2, NM_198309.3 and 2 more transcripts); c.1A>T (NM_144596.3); short protein forms M1L.
Identifiers: ClinVar variation 2162575 (VCV002162575.5), dbSNP rs747906724, ClinGen allele CA7302301.